The following is an entry in ClinVar:

NM_001852.4(COL9A2):c.404T>A (p.Ile135Asn)

Gene: COL9A2 (collagen type IX alpha 2 chain; minus strand). Cytogenetic location: 1p34.2.
Variant type: single nucleotide variant.
Coding change: c.404T>A on transcript NM_001852.4 (MANE Select); coding-DNA position 404, T replaced by A.
Protein change: p.Ile135Asn; replaces isoleucine 135 with asparagine.
Molecular consequence: missense variant.
Genome position (GRCh38, 1-based): chr1:40,312,072, A>T on the plus strand (T>A on the coding strand, the complement: COL9A2 is on the minus strand). VCF-style: chr1-40312072-A-T. GRCh37 (hg19) VCF-style: chr1-40777744-A-T.
Other names: short protein forms I135N.
Identifiers: ClinVar variation 2125020 (VCV002125020.4), dbSNP rs2522556923, ClinGen allele CA339856510.

ClinVar aggregate classification (germline): Uncertain significance (1 of 4 stars; one submission).

Submission:

Labcorp Genetics (formerly Invitae), Labcorp
Classification: Uncertain significance. Last evaluated: 2022-04-12. Review status: criteria provided, single submitter. Criteria: Invitae Variant Classification Sherloc (09022015). Collection method: clinical testing. Allele origin: germline.
Comment: In summary, the available evidence is currently insufficient to determine the role of this variant in disease. Therefore, it has been classified as a Variant of Uncertain Significance. Advanced modeling of protein sequence and biophysical properties (such as structural, functional, and spatial information, amino acid conservation, physicochemical variation, residue mobility, and thermodynamic stability) performed at Invitae indicates that this missense variant is not expected to disrupt COL9A2 protein function. This variant has not been reported in the literature in individuals affected with COL9A2-related conditions. This variant is not present in population databases (gnomAD no frequency). This sequence change replaces isoleucine, which is neutral and non-polar, with asparagine, which is neutral and polar, at codon 135 of the COL9A2 protein (p.Ile135Asn).